The following is an entry in ClinVar:

NM_053025.4(MYLK):c.1472A>G (p.Asn491Ser)

Gene: MYLK (myosin light chain kinase; minus strand). Cytogenetic location: 3q21.1.
Variant type: single nucleotide variant.
Coding change: c.1472A>G on transcript NM_053025.4 (MANE Select); coding-DNA position 1472, A replaced by G.
Protein change: p.Asn491Ser; replaces asparagine 491 with serine.
Molecular consequence: missense variant. On other transcripts: intron variant (2).
Genome position (GRCh38, 1-based): chr3:123,732,940, T>C on the plus strand (A>G on the coding strand, the complement: MYLK is on the minus strand). VCF-style: chr3-123732940-T-C. GRCh37 (hg19) VCF-style: chr3-123451787-T-C.
Other names: c.944A>G, p.Asn315Ser (NM_001321309.2); c.1472A>G, p.Asn491Ser (NM_053027.4); c.1309+747A>G (NM_053028.4, NM_053026.4); short protein forms N491S, N315S.
Identifiers: ClinVar variation 834676 (VCV000834676.14), dbSNP rs149802186, ClinGen allele CA067107.

ClinVar aggregate classification (germline): Uncertain significance. Review status: criteria provided, multiple submitters, no conflicts (2 of 4 stars). 4 submissions from 4 submitters: Uncertain significance (4). Last evaluated 2024-12-05.

Conditions:
Aortic aneurysm, familial thoracic 7 (AAT7). Also called: AORTIC DISSECTION, FAMILIAL, WITH OR WITHOUT AORTIC ANEURYSM. Identifiers: MedGen C3151077, MONDO:0013418, OMIM 613780.
Familial thoracic aortic aneurysm and aortic dissection (TAAD). Also called: Thoracic aortic aneurysms and dissections. Identifiers: Orphanet 91387, MedGen C4707243, MONDO:0019625.

Allele frequency attached by ClinVar (database versions not stated): gnomAD exomes 0.00002; TOPMed 0.00002; ExAC 0.00003; 1000 Genomes Project 0.00020; 1000 Genomes Project 30x 0.00031; gnomAD 0.00001.
gnomAD v4.1: 17 of 1,614,156 alleles (0.0011%); highest among the groups gnomAD compares: Middle Eastern, 0.016%; no homozygotes.

Submissions (4):

Labcorp Genetics (formerly Invitae), Labcorp
Classification: Uncertain significance for Aortic aneurysm, familial thoracic 7. Last evaluated: 2024-12-05. Review status: criteria provided, single submitter. Criteria: Invitae Variant Classification Sherloc (09022015). Collection method: clinical testing. Allele origin: germline.
Comment: This sequence change replaces asparagine, which is neutral and polar, with serine, which is neutral and polar, at codon 491 of the MYLK protein (p.Asn491Ser). The frequency data for this variant in the population databases is considered unreliable, as metrics indicate poor data quality at this position in the gnomAD database. This variant has not been reported in the literature in individuals affected with MYLK-related conditions. ClinVar contains an entry for this variant (Variation ID: 834676). Invitae Evidence Modeling of protein sequence and biophysical properties (such as structural, functional, and spatial information, amino acid conservation, physicochemical variation, residue mobility, and thermodynamic stability) indicates that this missense variant is not expected to disrupt MYLK protein function with a negative predictive value of 95%. In summary, the available evidence is currently insufficient to determine the role of this variant in disease. Therefore, it has been classified as a Variant of Uncertain Significance.

Ambry Genetics
Classification: Uncertain significance for Familial thoracic aortic aneurysm and aortic dissection. Last evaluated: 2023-02-01. Review status: criteria provided, single submitter. Criteria: Ambry Variant Classification Scheme 2023. Collection method: clinical testing. Allele origin: germline.

Women's Health and Genetics/Laboratory Corporation of America, LabCorp
Classification: Uncertain significance. Last evaluated: 2021-07-27. Review status: criteria provided, single submitter. Criteria: LabCorp Variant Classification Summary - May 2015. Collection method: clinical testing. Allele origin: germline.
Comment: Variant summary: MYLK c.1472A>G (p.Asn491Ser) results in a conservative amino acid change located in the Immunoglobulin-like domain (IPR007110) of the encoded protein sequence. Three of five in-silico tools predict a damaging effect of the variant on protein function. The variant allele was found at a frequency of 2.8e-05 in 251988 control chromosomes (gnomAD and publication). The available data on variant occurrences in the general population are insufficient to allow any conclusion about variant significance. To our knowledge, no occurrence of c.1472A>G in individuals affected with Thoracic Aortic Aneurysms And Dissections and no experimental evidence demonstrating its impact on protein function have been reported. A ClinVar submitter (evaluation after 2014) cites the variant as uncertain significance. Based on the evidence outlined above, the variant was classified as uncertain significance.

Breakthrough Genomics
Classification: Uncertain significance. Review status: criteria provided, single submitter. Criteria: ACMG Guidelines, 2015. Collection method: not provided. Allele origin: germline. Inheritance: Autosomal recessive inheritance. Affected: yes.

Literature cited by the submitters: PubMed 31296287 (cited by Women's Health and Genetics/Laboratory Corporation of America, LabCorp).